The following is an entry in ClinVar:

ClinVar aggregate classification (germline): Likely pathogenic (1 of 4 stars; one submission).

Conditions:
Rare genetic deafness. Identifiers: Orphanet 96210, MedGen C5680250.

Submission:

Laboratory for Molecular Medicine, Mass General Brigham Personalized Medicine
Classification: Likely pathogenic for Rare genetic deafness. Last evaluated: 2022-08-26. Review status: criteria provided, single submitter. Criteria: ACMG Guidelines, 2015. Collection method: clinical testing. Allele origin: germline.
Comment: The c.4702-2A>C variant in STRC has not been reported in individuals with disease and was present in 0.01% (9/94622) of chromosomes across all ethnicities by gnomAD. This variant occurs within the canonical splice site (+/- 1,2) and is predicted to cause altered splicing leading to an abnormal or absent protein. Loss of function of the STRC gene is an established disease mechanism in autosomal recessive non syndromic hearing loss. In summary, although additional studies are required to fully establish its clinical significance, this variant meets criteria to be classified as likely pathogenic for autosomal recessive non syndromic hearing loss. ACMG/AMP criteria applied: PVS1, PM2_Supporting.

NM_153700.2(STRC):c.4702-2A>C

Gene: STRC (stereocilin; minus strand). Cytogenetic location: 15q15.3.
Variant type: single nucleotide variant.
Coding change: c.4702-2A>C on transcript NM_153700.2 (MANE Select); the canonical splice acceptor site of the intron before coding-DNA position 4702, A replaced by C.
Molecular consequence: splice acceptor variant.
Genome position (GRCh38, 1-based): chr15:43,601,016, T>G on the plus strand (A>C on the coding strand, the complement: STRC is on the minus strand). VCF-style: chr15-43601016-T-G. GRCh37 (hg19) VCF-style: chr15-43893214-T-G.
Identifiers: ClinVar variation 3075887 (VCV003075887.1), dbSNP rs1457743720, ClinGen allele CA392163304.